The following is an entry in ClinVar:

NM_015311.3(OBSL1):c.448C>T (p.Arg150Trp)

Gene: OBSL1 (obscurin like cytoskeletal adaptor 1; minus strand). Cytogenetic location: 2q35.
Variant type: single nucleotide variant.
Coding change: c.448C>T on transcript NM_015311.3 (MANE Select); coding-DNA position 448, C replaced by T.
Protein change: p.Arg150Trp; replaces arginine 150 with tryptophan.
Molecular consequence: missense variant.
Genome position (GRCh38, 1-based): chr2:219,570,785, G>A on the plus strand (C>T on the coding strand, the complement: OBSL1 is on the minus strand). VCF-style: chr2-219570785-G-A. GRCh37 (hg19) VCF-style: chr2-220435507-G-A.
Other names: c.448C>T, p.Arg150Trp (NM_001173408.2, NM_001173431.2); short protein forms R150W.
Identifiers: ClinVar variation 4775600 (VCV004775600.1).

ClinVar aggregate classification (germline): Uncertain significance (1 of 4 stars; one submission).

Submission:

Labcorp Genetics (formerly Invitae), Labcorp
Classification: Uncertain significance. Last evaluated: 2025-07-11. Review status: criteria provided, single submitter. Criteria: Invitae Variant Classification Sherloc (09022015). Collection method: clinical testing. Allele origin: germline.
Comment: This sequence change replaces arginine, which is basic and polar, with tryptophan, which is neutral and slightly polar, at codon 150 of the OBSL1 protein (p.Arg150Trp). This variant is present in population databases (no rsID available, gnomAD 0.01%). This variant has not been reported in the literature in individuals affected with OBSL1-related conditions. An algorithm developed to predict the effect of missense changes on protein structure and function (PolyPhen-2) suggests that this variant is likely to be disruptive. In summary, the available evidence is currently insufficient to determine the role of this variant in disease. Therefore, it has been classified as a Variant of Uncertain Significance.